The following is an entry in ClinVar:

ClinVar aggregate classification (germline): Pathogenic (1 of 4 stars; one submission).

Submission:

Labcorp Genetics (formerly Invitae), Labcorp
Classification: Pathogenic. Last evaluated: 2022-07-15. Review status: criteria provided, single submitter. Criteria: Invitae Variant Classification Sherloc (09022015). Collection method: clinical testing. Allele origin: germline.
Comment: For these reasons, this variant has been classified as Pathogenic. ClinVar contains an entry for this variant (Variation ID: 1459057). This variant has not been reported in the literature in individuals affected with PRPF31-related conditions. This variant is not present in population databases (gnomAD no frequency). This sequence change creates a premature translational stop signal (p.Glu106Glyfs*2) in the PRPF31 gene. It is expected to result in an absent or disrupted protein product. Loss-of-function variants in PRPF31 are known to be pathogenic (PMID: 18317597, 23950152).

Literature cited by the submitters: PubMed 18317597; PubMed 23950152.

NM_015629.4(PRPF31):c.317del (p.Glu106fs)

Genes: PRPF31 (pre-mRNA processing factor 31; plus strand), PRPF31-AS1 (PRPF31 antisense RNA 1; minus strand). Cytogenetic location: 19q13.42.
Variant type: Deletion.
Coding change: c.317del on transcript NM_015629.4 (MANE Select); coding-DNA position 317, one base deleted (A; older notation c.317delA).
Protein change: p.Glu106fs; shifts the reading frame from glutamic acid 106.
Molecular consequence: frameshift variant.
Genome position (GRCh38, 1-based): chr19:54,121,938, A deleted. VCF-style (leftmost placement, unchanged base first): chr19-54121937-GA-G. GRCh37 (hg19) VCF-style: chr19-54625316-GA-G.
Other names: short protein forms E106fs.
Identifiers: ClinVar variation 1459057 (VCV001459057.6), dbSNP rs2146409888, ClinGen allele CA2573156797.